The following is an entry in ClinVar:

NM_030773.4(TUBB1):c.960G>A (p.Lys320=)

Gene: TUBB1 (tubulin beta 1 class VI; plus strand). Cytogenetic location: 20q13.32.
Variant type: single nucleotide variant.
Coding change: c.960G>A on transcript NM_030773.4 (MANE Select); coding-DNA position 960, G replaced by A.
Protein change: p.Lys320=; no amino-acid change (lysine 320 retained).
Molecular consequence: synonymous variant.
Genome position (GRCh38, 1-based): chr20:59,024,387, G>A. VCF-style: chr20-59024387-G-A. GRCh37 (hg19) VCF-style: chr20-57599442-G-A.
Identifiers: ClinVar variation 4989699 (VCV004989699.1).

ClinVar aggregate classification (germline): Likely benign (1 of 4 stars; one submission).

Conditions:
TUBB1-related disorder. Also called: TUBB1-related condition.

gnomAD v4.1: 24 of 1,614,060 alleles (0.0015%); highest among the groups gnomAD compares: Non-Finnish European, 0.002%; no homozygotes.

Submission:

PreventionGenetics, part of Exact Sciences
Classification: Likely benign for TUBB1-related condition. Last evaluated: 2026-01-21. Review status: criteria provided, single submitter. Criteria: ACMG Guidelines, 2015. Collection method: clinical testing. Allele origin: germline.
Comment: This variant is classified as likely benign based on ACMG/AMP sequence variant interpretation guidelines (Richards et al. 2015 PMID: 25741868, with internal and published modifications).